The following is an entry in ClinVar:

NM_001128178.3(NPHP1):c.843dup (p.Gln282fs)

Gene: NPHP1 (nephrocystin 1; minus strand). Cytogenetic location: 2q13.
Variant type: Duplication.
Coding change: c.843dup on transcript NM_001128178.3 (MANE Select); coding-DNA position 843, one base duplicated (A; older notation c.843dupA).
Protein change: p.Gln282fs; shifts the reading frame from glutamine 282.
Molecular consequence: frameshift variant.
Genome position (GRCh38, 1-based): chr2:110,163,064, T duplicated on the plus strand (A on the coding strand, the reverse complement: NPHP1 is on the minus strand). VCF-style (leftmost placement, unchanged base first): chr2-110163063-G-GT. GRCh37 (hg19) VCF-style: chr2-110920640-G-GT.
Other names: c.1011dup, p.Gln338fs (NM_000272.5); c.654dup, p.Gln219fs (NM_001128179.3); c.840dup, p.Gln281fs (NM_001374256.1); c.843dup, p.Gln282fs (NM_001374257.1); c.1008dup, p.Gln337fs (NM_207181.4); short protein forms Q281fs, Q282fs, Q219fs, Q337fs, Q338fs.
Identifiers: ClinVar variation 2826495 (VCV002826495.3), dbSNP rs1682462329, ClinGen allele CA1034926595.

ClinVar aggregate classification (germline): Pathogenic (1 of 4 stars; one submission).

Conditions:
Nephronophthisis. Also called: Juvenile Nephronophthisis. Identifiers: Orphanet 655, MedGen C0687120, MONDO:0019005, HP:0000090.

Allele frequency attached by ClinVar (database versions not stated): gnomAD 0.00001.

Submission:

Labcorp Genetics (formerly Invitae), Labcorp
Classification: Pathogenic for Nephronophthisis. Last evaluated: 2023-01-06. Review status: criteria provided, single submitter. Criteria: Invitae Variant Classification Sherloc (09022015). Collection method: clinical testing. Allele origin: germline.
Comment: For these reasons, this variant has been classified as Pathogenic. This variant has not been reported in the literature in individuals affected with NPHP1-related conditions. This variant is not present in population databases (gnomAD no frequency). This sequence change creates a premature translational stop signal (p.Gln338Thrfs*39) in the NPHP1 gene. It is expected to result in an absent or disrupted protein product. Loss-of-function variants in NPHP1 are known to be pathogenic (PMID: 23559409).

Literature cited by the submitters: PubMed 23559409.